The following is an entry in ClinVar:

NM_004393.6(DAG1):c.2018A>C (p.Gln673Pro)

Gene: DAG1 (dystroglycan 1; plus strand). Cytogenetic location: 3p21.31.
Variant type: single nucleotide variant.
Coding change: c.2018A>C on transcript NM_004393.6 (MANE Select); coding-DNA position 2018, A replaced by C.
Protein change: p.Gln673Pro; replaces glutamine 673 with proline.
Molecular consequence: missense variant.
Genome position (GRCh38, 1-based): chr3:49,532,529, A>C. VCF-style: chr3-49532529-A-C. GRCh37 (hg19) VCF-style: chr3-49569962-A-C.
Other names: c.2018A>C, p.Gln673Pro (NM_001177644.3, NM_001177643.3, NM_001165928.4 and 9 more transcripts); c.2018A>C (NM_004393.4); short protein forms Q673P.
Identifiers: ClinVar variation 1450953 (VCV001450953.12), dbSNP rs1433049354, ClinGen allele CA352796642.

ClinVar aggregate classification (germline): Uncertain significance. Review status: criteria provided, multiple submitters, no conflicts (2 of 4 stars). 2 submissions from 2 submitters: Uncertain significance (2). Last evaluated 2022-08-16.

Conditions:
Autosomal recessive limb-girdle muscular dystrophy type 2P. Also called: MUSCULAR DYSTROPHY-DYSTROGLYCANOPATHY, LIMB-GIRDLE, DAG1-RELATED; Limb-Girdle Muscular Dystrophy Type 9C; MUSCULAR DYSTROPHY, LIMB-GIRDLE, TYPE 2P. Identifiers: Orphanet 280333, MedGen C4511963, MONDO:0013440, OMIM 613818.
Muscular dystrophy-dystroglycanopathy (congenital with brain and eye anomalies), type A9. Also called: WALKER-WARBURG SYNDROME OR MUSCLE-EYE BRAIN DISEASE, DAG1-RELATED; Muscular dystrophy-dystroglycanopathy (congenital with brain and eye anomalies), type a, 9. Identifiers: Orphanet 370997, Orphanet 899, MedGen C4225291, MONDO:0014683, OMIM 616538.
Inborn genetic diseases. Identifiers: MedGen C0950123, MeSH D030342.

Allele frequency attached by ClinVar (database versions not stated): gnomAD exomes below 0.00001.
gnomAD v4.1: 2 of 1,614,080 alleles (0.00012%); highest among the groups gnomAD compares: Admixed American, 0.0033%; no homozygotes.

Submissions (2):

Labcorp Genetics (formerly Invitae), Labcorp
Classification: Uncertain significance for Autosomal recessive limb-girdle muscular dystrophy type 2P; Muscular dystrophy-dystroglycanopathy (congenital with brain and eye anomalies), type A9. Last evaluated: 2022-08-16. Review status: criteria provided, single submitter. Criteria: Invitae Variant Classification Sherloc (09022015). Collection method: clinical testing. Allele origin: germline.
Comment: This variant is not present in population databases (gnomAD no frequency). In summary, the available evidence is currently insufficient to determine the role of this variant in disease. Therefore, it has been classified as a Variant of Uncertain Significance. Algorithms developed to predict the effect of missense changes on protein structure and function are either unavailable or do not agree on the potential impact of this missense change (SIFT: "Tolerated"; PolyPhen-2: "Probably Damaging"; Align-GVGD: "Class C0"). ClinVar contains an entry for this variant (Variation ID: 1450953). This variant has not been reported in the literature in individuals affected with DAG1-related conditions. This sequence change replaces glutamine, which is neutral and polar, with proline, which is neutral and non-polar, at codon 673 of the DAG1 protein (p.Gln673Pro).

Ambry Genetics
Classification: Uncertain significance for Inborn genetic diseases. Last evaluated: 2021-07-15. Review status: criteria provided, single submitter. Criteria: Ambry Variant Classification Scheme 2023. Collection method: clinical testing. Allele origin: germline.